The following is an entry in ClinVar:

NM_002894.3(RBBP8):c.1361G>T (p.Ser454Ile)

Gene: RBBP8 (RB binding protein 8, endonuclease; plus strand). Cytogenetic location: 18q11.2.
Variant type: single nucleotide variant.
Coding change: c.1361G>T on transcript NM_002894.3 (MANE Select); coding-DNA position 1361, G replaced by T.
Protein change: p.Ser454Ile; replaces serine 454 with isoleucine.
Molecular consequence: missense variant.
Genome position (GRCh38, 1-based): chr18:22,993,188, G>T. VCF-style: chr18-22993188-G-T. GRCh37 (hg19) VCF-style: chr18-20573151-G-T.
Other names: c.1361G>T, p.Ser454Ile (NM_203291.2, NM_203292.2); c.1361G>T (NM_002894.2); short protein forms S454I.
Identifiers: ClinVar variation 1404470 (VCV001404470.5), dbSNP rs372424470, ClinGen allele CA8910054.

ClinVar aggregate classification (germline): Uncertain significance. Review status: criteria provided, multiple submitters, no conflicts (2 of 4 stars). 2 submissions from 2 submitters: Uncertain significance (2). Last evaluated 2025-05-16.

Conditions:
Inborn genetic diseases. Identifiers: MedGen C0950123, MeSH D030342.

Allele frequency attached by ClinVar (database versions not stated): ExAC 0.00007; gnomAD exomes 0.00009 and 0.00011; TOPMed 0.00010; ESP Exome Variant Server 0.00015; gnomAD 0.00007 and 0.00008.
gnomAD v4.1: 172 of 1,614,064 alleles (0.011%); highest among the groups gnomAD compares: Non-Finnish European, 0.013%; no homozygotes.

Submissions (2):

Ambry Genetics
Classification: Uncertain significance for Inborn genetic diseases. Last evaluated: 2025-05-16. Review status: criteria provided, single submitter. Criteria: Ambry Variant Classification Scheme 2023. Collection method: clinical testing. Allele origin: germline.

Labcorp Genetics (formerly Invitae), Labcorp
Classification: Uncertain significance. Last evaluated: 2023-08-04. Review status: criteria provided, single submitter. Criteria: Invitae Variant Classification Sherloc (09022015). Collection method: clinical testing. Allele origin: germline.
Comment: This sequence change replaces serine, which is neutral and polar, with isoleucine, which is neutral and non-polar, at codon 454 of the RBBP8 protein (p.Ser454Ile). This variant is present in population databases (rs372424470, gnomAD 0.02%). This variant has not been reported in the literature in individuals affected with RBBP8-related conditions. ClinVar contains an entry for this variant (Variation ID: 1404470). Advanced modeling of protein sequence and biophysical properties (such as structural, functional, and spatial information, amino acid conservation, physicochemical variation, residue mobility, and thermodynamic stability) performed at Invitae indicates that this missense variant is not expected to disrupt RBBP8 protein function. In summary, the available evidence is currently insufficient to determine the role of this variant in disease. Therefore, it has been classified as a Variant of Uncertain Significance.